The following is an entry in ClinVar:

ClinVar aggregate classification (germline): Uncertain significance. Review status: criteria provided, multiple submitters, no conflicts (2 of 4 stars). 2 submissions from 2 submitters: Uncertain significance (2). Last evaluated 2022-07-18.

Allele frequency attached by ClinVar (database versions not stated): gnomAD 0.00010 and 0.00011; gnomAD exomes 0.00010 and 0.00017; ExAC 0.00012; TOPMed 0.00014; ESP Exome Variant Server 0.00023.
gnomAD v4.1: 273 of 1,601,120 alleles (0.017%); highest among the groups gnomAD compares: Non-Finnish European, 0.022%; no homozygotes.

Submissions (2):

Labcorp Genetics (formerly Invitae), Labcorp
Classification: Uncertain significance. Last evaluated: 2022-07-18. Review status: criteria provided, single submitter. Criteria: Invitae Variant Classification Sherloc (09022015). Collection method: clinical testing. Allele origin: germline.
Comment: This sequence change replaces alanine, which is neutral and non-polar, with threonine, which is neutral and polar, at codon 793 of the VPS13C protein (p.Ala793Thr). This variant is present in population databases (rs200217693, gnomAD 0.02%). This variant has not been reported in the literature in individuals affected with VPS13C-related conditions. ClinVar contains an entry for this variant (Variation ID: 1381879). Algorithms developed to predict the effect of missense changes on protein structure and function (SIFT, PolyPhen-2, Align-GVGD) all suggest that this variant is likely to be tolerated. In summary, the available evidence is currently insufficient to determine the role of this variant in disease. Therefore, it has been classified as a Variant of Uncertain Significance.

Breakthrough Genomics
Classification: Uncertain significance. Review status: criteria provided, single submitter. Criteria: ACMG Guidelines, 2015. Collection method: not provided. Allele origin: germline. Inheritance: Autosomal recessive inheritance. Affected: yes.

NM_020821.3(VPS13C):c.2377G>A (p.Ala793Thr)

Gene: VPS13C (vacuolar protein sorting 13 homolog C; minus strand). Cytogenetic location: 15q22.2.
Variant type: single nucleotide variant.
Coding change: c.2377G>A on transcript NM_020821.3 (MANE Select); coding-DNA position 2377, G replaced by A.
Protein change: p.Ala793Thr; replaces alanine 793 with threonine.
Molecular consequence: missense variant.
Genome position (GRCh38, 1-based): chr15:61,977,113, C>T on the plus strand (G>A on the coding strand, the complement: VPS13C is on the minus strand). VCF-style: chr15-61977113-C-T. GRCh37 (hg19) VCF-style: chr15-62269312-C-T.
Other names: c.2377G>A, p.Ala793Thr (NM_001018088.3); c.2248G>A, p.Ala750Thr (NM_017684.5, NM_018080.4); short protein forms A793T, A750T.
Identifiers: ClinVar variation 1381879 (VCV001381879.6), dbSNP rs200217693, ClinGen allele CA7596746.